The following is an entry in ClinVar:

ClinVar aggregate classification (germline): Likely benign. Review status: criteria provided, multiple submitters, no conflicts (2 of 4 stars). 2 submissions from 2 submitters: Likely benign (2). Last evaluated 2023-06-28.

Conditions:
Cardiomyopathy (CMYO). Also called: Cardiomyopathies. Identifiers: Orphanet 167848, MedGen C0878544, MONDO:0004994, HP:0001638. Inheritance: Various modes of inheritance.
Hypertrophic cardiomyopathy. Also called: HYPERTROPHIC MYOCARDIOPATHY. Identifiers: Orphanet 217569, MedGen C0007194, MeSH D002312, MONDO:0005045, HP:0001639.

Allele frequency attached by ClinVar (database versions not stated): gnomAD exomes below 0.00001; ExAC 0.00001.

Submissions (2):

All of Us Research Program, National Institutes of Health
Classification: Likely benign for Cardiomyopathy. Last evaluated: 2023-06-28. Review status: criteria provided, single submitter. Criteria: ACMG Guidelines, 2015. Collection method: clinical testing. Allele origin: germline. Inheritance: Autosomal dominant inheritance. Observed: 2 variant alleles, 2 heterozygotes.
Comment: This study involves interpretation of variants in research participants for the purpose of population health screening. Participant phenotype was not available at the time of variant classification. Additional details can be found in publication PMID: 35346344, PMCID: PMC8962531

Labcorp Genetics (formerly Invitae), Labcorp
Classification: Likely benign for Hypertrophic cardiomyopathy. Last evaluated: 2020-01-15. Review status: criteria provided, single submitter. Criteria: Invitae Variant Classification Sherloc (09022015). Collection method: clinical testing. Allele origin: germline.

NM_000257.4(MYH7):c.147C>G (p.Ala49=)

Gene: MYH7 (myosin heavy chain 7; minus strand). Cytogenetic location: 14q11.2.
Variant type: single nucleotide variant.
Coding change: c.147C>G on transcript NM_000257.4 (MANE Select); coding-DNA position 147, C replaced by G.
Protein change: p.Ala49=; no amino-acid change (alanine 49 retained).
Molecular consequence: synonymous variant.
Genome position (GRCh38, 1-based): chr14:23,433,586, G>C on the plus strand (C>G on the coding strand, the complement: MYH7 is on the minus strand). VCF-style: chr14-23433586-G-C. GRCh37 (hg19) VCF-style: chr14-23902795-G-C.
Identifiers: ClinVar variation 1130516 (VCV001130516.10), dbSNP rs766100117, ClinGen allele CA028563.